The following is an entry in ClinVar:

ClinVar aggregate classification (germline): Likely pathogenic (1 of 4 stars; one submission).

Conditions:
Succinate-semialdehyde dehydrogenase deficiency (SSADHD). Also called: GABA METABOLIC DEFECT; Succinic Semialdehyde Dehydrogenase Deficiency; SSADH DEFICIENCY; 4-HYDROXYBUTYRIC ACIDURIA. Identifiers: Orphanet 22, MedGen C0268631, MONDO:0010083, OMIM 271980.

Submission:

Labcorp Genetics (formerly Invitae), Labcorp
Classification: Likely pathogenic for Succinate-semialdehyde dehydrogenase deficiency. Last evaluated: 2024-10-09. Review status: criteria provided, single submitter. Criteria: Invitae Variant Classification Sherloc (09022015). Collection method: clinical testing. Allele origin: germline.
Comment: This variant, c.1343_1343+1insTAA, results in the insertion of 1 amino acid(s) of the ALDH5A1 protein (p.Ile447_Lys448insAsn), but otherwise preserves the integrity of the reading frame. This variant is not present in population databases (gnomAD no frequency). This variant has been observed in individual(s) with clinical features of ALDH5A1-related conditions (internal data). ClinVar contains an entry for this variant (Variation ID: 1507454). Experimental studies and prediction algorithms are not available or were not evaluated, and the functional significance of this variant is currently unknown. In summary, the currently available evidence indicates that the variant is pathogenic, but additional data are needed to prove that conclusively. Therefore, this variant has been classified as Likely Pathogenic.

NM_001080.3(ALDH5A1):c.1343_1344insTAA (p.Ile447_Lys448insAsn)

Gene: ALDH5A1 (aldehyde dehydrogenase 5 family member A1; plus strand). Cytogenetic location: 6p22.3.
Variant type: Insertion.
Coding change: c.1343_1344insTAA on transcript NM_001080.3 (MANE Select); coding-DNA positions 1343 to 1344, TAA inserted.
Protein change: p.Ile447_Lys448insAsn.
Molecular consequence: inframe insertion.
Genome position: GRCh38 VCF-style: chr6-24528164-C-CAAT. GRCh37 (hg19) VCF-style: chr6-24528392-C-CAAT.
Other names: c.1199_1200insTAA, p.Ile399_Lys400insAsn (NM_001368954.1); c.1382_1383insTAA, p.Ile460_Lys461insAsn (NM_170740.1).
Identifiers: ClinVar variation 1507454 (VCV001507454.8), dbSNP rs2127389582, ClinGen allele CA2573140168.